The following is an entry in ClinVar:

ClinVar aggregate classification (germline): Uncertain significance. Review status: criteria provided, multiple submitters, no conflicts (2 of 4 stars). 2 submissions from 2 submitters: Uncertain significance (2). Last evaluated 2022-09-23.

Conditions:
Long QT syndrome (LQTS). Identifiers: MedGen C0023976, MeSH D008133, MONDO:0002442. Disease mechanism: loss of function. Inheritance: Various modes of inheritance.

Submissions (2):

Labcorp Genetics (formerly Invitae), Labcorp
Classification: Uncertain significance for Long QT syndrome. Last evaluated: 2022-09-23. Review status: criteria provided, single submitter. Criteria: Invitae Variant Classification Sherloc (09022015). Collection method: clinical testing. Allele origin: germline.
Comment: In summary, the available evidence is currently insufficient to determine the role of this variant in disease. Therefore, it has been classified as a Variant of Uncertain Significance. Algorithms developed to predict the effect of missense changes on protein structure and function are either unavailable or do not agree on the potential impact of this missense change (SIFT: "Tolerated"; PolyPhen-2: "Possibly Damaging"; Align-GVGD: "Class C0"). ClinVar contains an entry for this variant (Variation ID: 1698285). This variant has not been reported in the literature in individuals affected with CACNA1C-related conditions. This variant is not present in population databases (gnomAD no frequency). This sequence change replaces threonine, which is neutral and polar, with alanine, which is neutral and non-polar, at codon 558 of the CACNA1C protein (p.Thr558Ala).

GeneDx
Classification: Uncertain significance. Last evaluated: 2022-01-24. Review status: criteria provided, single submitter. Criteria: GeneDx Variant Classification Process June 2021. Collection method: clinical testing. Allele origin: germline. Affected: yes.
Comment: Has not been previously published as pathogenic or benign to our knowledge; Not observed at significant frequency in large population cohorts (gnomAD); In silico analysis supports that this missense variant does not alter protein structure/function

NM_000719.7(CACNA1C):c.1672A>G (p.Thr558Ala)

Gene: CACNA1C (calcium voltage-gated channel subunit alpha1 C; plus strand). Cytogenetic location: 12p13.33.
Variant type: single nucleotide variant.
Coding change: c.1672A>G on transcript NM_000719.7 (MANE Select); coding-DNA position 1672, A replaced by G.
Protein change: p.Thr558Ala; replaces threonine 558 with alanine.
Molecular consequence: missense variant.
Genome position (GRCh38, 1-based): chr12:2,567,571, A>G. VCF-style: chr12-2567571-A-G. GRCh37 (hg19) VCF-style: chr12-2676737-A-G.
Other names: c.1672A>G, p.Thr558Ala (NM_001129827.2, NM_001129829.2, NM_001129830.3 and 18 more transcripts); c.1663A>G, p.Thr555Ala (NM_001129844.2); short protein forms T555A, T558A.
Identifiers: ClinVar variation 1698285 (VCV001698285.9), dbSNP rs2154593415, ClinGen allele CA383368758.